The following is an entry in ClinVar:

ClinVar aggregate classification (germline): Uncertain significance (1 of 4 stars; one submission).

Conditions:
Juvenile polyposis syndrome (JPS). Identifiers: Orphanet 2929, MedGen C0345893, MONDO:0017380, OMIM 174900.

Submission:

Labcorp Genetics (formerly Invitae), Labcorp
Classification: Uncertain significance for Juvenile polyposis syndrome. Last evaluated: 2017-04-30. Review status: criteria provided, single submitter. Criteria: Invitae Variant Classification Sherloc (09022015). Collection method: clinical testing. Allele origin: germline.
Comment: This variant is not present in population databases (ExAC no frequency) and has not been reported in the literature in individuals with a BMPR1A-related disease. In summary, this variant is a novel missense change with uncertain impact on protein function. It has been classified as a Variant of Uncertain Significance. Algorithms developed to predict the effect of missense changes on protein structure and function (SIFT, PolyPhen-2, Align-GVGD) all suggest that this variant is likely to be disruptive, but these predictions have not been confirmed by published functional studies. This sequence change replaces lysine with asparagine at codon 518 of the BMPR1A protein (p.Lys518Asn). The lysine residue is highly conserved and there is a moderate physicochemical difference between lysine and asparagine.

NM_004329.3(BMPR1A):c.1554G>C (p.Lys518Asn)

Gene: BMPR1A (bone morphogenetic protein receptor type 1A; plus strand). Cytogenetic location: 10q23.2.
Variant type: single nucleotide variant.
Coding change: c.1554G>C on transcript NM_004329.3 (MANE Select); coding-DNA position 1554, G replaced by C.
Protein change: p.Lys518Asn; replaces lysine 518 with asparagine.
Molecular consequence: missense variant.
Genome position (GRCh38, 1-based): chr10:86,923,674, G>C. VCF-style: chr10-86923674-G-C. GRCh37 (hg19) VCF-style: chr10-88683431-G-C.
Other names: short protein forms K518N.
Identifiers: ClinVar variation 460489 (VCV000460489.10), dbSNP rs1554891668, ClinGen allele CA377463939.